The following is an entry in ClinVar:

ClinVar aggregate classification (germline): Conflicting classifications of pathogenicity. Review status: criteria provided, conflicting classifications (1 of 4 stars). 5 submissions from 5 submitters: Pathogenic (1); Likely pathogenic (3); Uncertain significance (1). Last evaluated 2025-01-29.

Conditions:
Familial thoracic aortic aneurysm and aortic dissection (TAAD). Also called: Thoracic aortic aneurysms and dissections. Identifiers: Orphanet 91387, MedGen C4707243, MONDO:0019625.
SMAD3-related disorder. Also called: SMAD3-related condition.

Allele frequency attached by ClinVar (database versions not stated): gnomAD exomes below 0.00001.
gnomAD v4.1: 1 of 1,613,060 alleles (0.000062%); highest among the groups gnomAD compares: Non-Finnish European, 0.000085%; no homozygotes.

Submissions (5):

Labcorp Genetics (formerly Invitae), Labcorp
Classification: Pathogenic for Familial thoracic aortic aneurysm and aortic dissection. Last evaluated: 2025-01-29. Review status: criteria provided, single submitter. Criteria: Invitae Variant Classification Sherloc (09022015). Collection method: clinical testing. Allele origin: germline.
Comment: This sequence change replaces arginine, which is basic and polar, with glutamine, which is neutral and polar, at codon 74 of the SMAD3 protein (p.Arg74Gln). This variant is not present in population databases (gnomAD no frequency). This missense change has been observed in individuals with SMAD3-related conditions (PMID: 29392890; internal data). ClinVar contains an entry for this variant (Variation ID: 623872). Invitae Evidence Modeling incorporating data from in vitro experimental studies (internal data) indicates that this missense variant is expected to disrupt SMAD3 function with a positive predictive value of 95%. This variant disrupts the p.Arg74 amino acid residue in SMAD3. Other variant(s) that disrupt this residue have been determined to be pathogenic (PMID: 29510914, 31096651; internal data). This suggests that this residue is clinically significant, and that variants that disrupt this residue are likely to be disease-causing. For these reasons, this variant has been classified as Pathogenic.

Ambry Genetics
Classification: Likely pathogenic for Familial thoracic aortic aneurysm and aortic dissection. Last evaluated: 2024-06-10. Review status: criteria provided, single submitter. Criteria: Ambry Variant Classification Scheme 2023. Collection method: clinical testing. Allele origin: germline.
Comment: The p.R74Q variant (also known as c.221G>A), located in coding exon 2 of the SMAD3 gene, results from a G to A substitution at nucleotide position 221. The arginine at codon 74 is replaced by glutamine, an amino acid with highly similar properties. This variant has been detected in multiple individuals with features consistent with SMAD3-related Loeys-Dietz syndrome (Schepers D et al. Hum Mutat, 2018 05;39:621-634; external communication). This missense alteration is located in a region that has a low rate of benign missense variation (Lek M et al. Nature. 2016 Aug 18;536(7616):285-91; DECIPHER: Database of Chromosomal Imbalance and Phenotype in Humans using Ensembl Resources. Firth H.V. et al. 2009. Am.J.Hum.Genet. 84, 524-533 (DOI)). This amino acid position is highly conserved in available vertebrate species. In addition, this alteration is predicted to be deleterious by in silico analysis. This variant is considered to be rare based on population cohorts in the Genome Aggregation Database (gnomAD). Based on the majority of available evidence to date, this variant is likely to be pathogenic.

GeneDx
Classification: Uncertain significance. Last evaluated: 2022-12-07. Review status: criteria provided, single submitter. Criteria: GeneDx Variant Classification Process June 2021. Collection method: clinical testing. Allele origin: germline. Affected: yes.
Comment: Has been reported as a likely pathogenic variant in a patient with Loeys-Dietz syndrome (Schepers et al., 2018); Has been reported in a fetus with nuchal eduema, and found to be inherited as paternal mosaicism (15-20%) (Gabriel et al., 2022); Not observed in large population cohorts (gnomAD); In silico analysis supports that this missense variant has a deleterious effect on protein structure/function; This variant is associated with the following publications: (PMID: 34958143, 29392890)

Blueprint Genetics
Classification: Likely pathogenic for SMAD3-related disorders. Last evaluated: 2021-10-04. Review status: criteria provided, single submitter. Criteria: ACMG Guidelines, 2015. Collection method: clinical testing. Allele origin: germline. Affected: yes. Observed: 4 variant alleles.

CeGaT Center for Human Genetics Tuebingen
Classification: Likely pathogenic. Last evaluated: 2020-01-01. Review status: criteria provided, single submitter. Criteria: CeGaT Center For Human Genetics Tuebingen Variant Classification Criteria Version 2. Collection method: clinical testing. Allele origin: germline. Affected: yes. Observed: 2 variant alleles.

Literature cited by the submitters: PubMed 29392890 (cited by Labcorp Genetics (formerly Invitae), Labcorp and Ambry Genetics); PubMed 29510914 (cited by Labcorp Genetics (formerly Invitae), Labcorp); PubMed 31096651 (cited by Labcorp Genetics (formerly Invitae), Labcorp); PubMed 37589029 (cited by Ambry Genetics).

NM_005902.4(SMAD3):c.221G>A (p.Arg74Gln)

Gene: SMAD3 (SMAD family member 3; plus strand). Cytogenetic location: 15q22.33.
Variant type: single nucleotide variant.
Coding change: c.221G>A on transcript NM_005902.4 (MANE Select); coding-DNA position 221, G replaced by A.
Protein change: p.Arg74Gln; replaces arginine 74 with glutamine.
Molecular consequence: missense variant. On other transcripts: 5 prime UTR variant (1).
Genome position (GRCh38, 1-based): chr15:67,164,909, G>A. VCF-style: chr15-67164909-G-A. GRCh37 (hg19) VCF-style: chr15-67457247-G-A.
Other names: c.-95G>A (NM_001145102.2); c.89G>A, p.Arg30Gln (NM_001145103.2); short protein forms R74Q, R30Q.
Identifiers: ClinVar variation 623872 (VCV000623872.54), dbSNP rs1566991387, ClinGen allele CA392953481.